The following is an entry in ClinVar:

NM_001244710.2(GFPT1):c.1096G>A (p.Asp366Asn)

Gene: GFPT1 (glutamine--fructose-6-phosphate transaminase 1; minus strand). Cytogenetic location: 2p13.3.
Variant type: single nucleotide variant.
Coding change: c.1096G>A on transcript NM_001244710.2 (MANE Select); coding-DNA position 1096, G replaced by A.
Protein change: p.Asp366Asn; replaces aspartic acid 366 with asparagine.
Molecular consequence: missense variant.
Genome position (GRCh38, 1-based): chr2:69,345,913, C>T on the plus strand (G>A on the coding strand, the complement: GFPT1 is on the minus strand). VCF-style: chr2-69345913-C-T. GRCh37 (hg19) VCF-style: chr2-69573045-C-T.
Other names: c.1042G>A, p.Asp348Asn (NM_002056.4); short protein forms D348N, D366N.
Identifiers: ClinVar variation 3385221 (VCV003385221.1).

ClinVar aggregate classification (germline): Uncertain significance (1 of 4 stars; one submission).

Submission:

Women's Health and Genetics/Laboratory Corporation of America, LabCorp
Classification: Uncertain significance. Last evaluated: 2024-10-17. Review status: criteria provided, single submitter. Criteria: LabCorp Variant Classification Summary - May 2015. Collection method: clinical testing. Allele origin: germline.
Comment: Variant summary: GFPT1 c.1096G>A (p.Asp366Asn) results in a conservative amino acid change in the encoded protein sequence. Four of five in-silico tools predict a benign effect of the variant on protein function. The variant was absent in 251160 control chromosomes. The available data on variant occurrences in the general population are insufficient to allow any conclusion about variant significance. To our knowledge, no occurrence of c.1096G>A in individuals affected with Congenital Myasthenic Syndrome and no experimental evidence demonstrating its impact on protein function have been reported. No submitters have cited clinical-significance assessments for this variant to ClinVar. Based on the evidence outlined above, the variant was classified as uncertain significance.